The following is an entry in ClinVar:

ClinVar aggregate classification (germline): Conflicting classifications of pathogenicity. Review status: criteria provided, conflicting classifications (1 of 4 stars). 5 submissions from 4 submitters: Uncertain significance (2); Benign (1); Likely benign (1). 1 of the submissions does not count toward it. Last evaluated 2025-11-28.

Conditions:
AGK-related disorder. Also called: AGK-related disorders; AGK-related condition. Identifiers: MedGen CN239194.
Sengers syndrome. Also called: Cardiomyopathy and cataract; MITOCHONDRIAL DNA DEPLETION SYNDROME 10 (CARDIOMYOPATHIC TYPE). Identifiers: Orphanet 1369, MedGen C1859317, MONDO:0008922, OMIM 212350.
Cataract 38. Also called: Cataract, autosomal recessive congenital 5; Cataract 38, autosomal recessive. Identifiers: Orphanet 91492, MedGen C3553494, MONDO:0013859, OMIM 614691.

Allele frequency attached by ClinVar (database versions not stated): ExAC 0.00011; gnomAD exomes 0.00011 and 0.00039; TOPMed 0.00016; gnomAD 0.00017; ESP Exome Variant Server 0.00023.
gnomAD v4.1: 565 of 1,593,172 alleles (0.035%); highest among the groups gnomAD compares: Non-Finnish European, 0.047%; 1 homozygote.

Submissions (6):

Labcorp Genetics (formerly Invitae), Labcorp
Classification: Likely benign for Sengers syndrome; Cataract 38. Last evaluated: 2025-11-28. Review status: criteria provided, single submitter. Criteria: Invitae Variant Classification Sherloc (09022015). Collection method: clinical testing. Allele origin: germline.

Illumina Laboratory Services, Illumina
Classification: Uncertain significance for Sengers syndrome. Last evaluated: 2017-04-27. Review status: criteria provided, single submitter. Criteria: ICSL Variant Classification Criteria 13 December 2019. Collection method: clinical testing. Allele origin: germline.

Illumina Laboratory Services, Illumina
Classification: Uncertain significance for Cataract 38. Last evaluated: 2017-04-27. Review status: criteria provided, single submitter. Criteria: ICSL Variant Classification Criteria 13 December 2019. Collection method: clinical testing. Allele origin: germline.

GeneDx
Classification: Benign. Last evaluated: 2015-01-21. Review status: criteria provided, single submitter. Criteria: GeneDx Variant Classification (06012015). Collection method: clinical testing. Allele origin: germline. Affected: yes.
Comment: This variant is considered likely benign or benign based on one or more of the following criteria: it is a conservative change, it occurs at a poorly conserved position in the protein, it is predicted to be benign by multiple in silico algorithms, and/or has population frequency not consistent with disease.

PreventionGenetics, part of Exact Sciences
Classification: Likely benign for AGK-related condition. Last evaluated: 2019-05-08. Review status: no assertion criteria provided. Collection method: clinical testing. Allele origin: germline. Not counted in ClinVar's aggregate classification.
Comment: This variant is classified as likely benign based on ACMG/AMP sequence variant interpretation guidelines (Richards et al. 2015 PMID: 25741868, with internal and published modifications).

Dr. Peter K. Rogan Lab, Western University
No classification provided (evidence only). Condition: Ovarian serous cystadenocarcinoma. Review status: no classification provided. Collection method: in vitro. Allele origin: not applicable. Functional consequence: retained intron. Not counted in ClinVar's aggregate classification.

NM_018238.4(AGK):c.727-9C>T

Gene: AGK (acylglycerol kinase; plus strand). Cytogenetic location: 7q34.
Variant type: single nucleotide variant.
Coding change: c.727-9C>T on transcript NM_018238.4 (MANE Select); 9 bases into the intron before coding-DNA position 727, C replaced by T.
Molecular consequence: intron variant.
Genome position (GRCh38, 1-based): chr7:141,641,239, C>T. VCF-style: chr7-141641239-C-T. GRCh37 (hg19) VCF-style: chr7-141341039-C-T.
Other names: c.727-9C>T (NM_001364948.3).
Identifiers: ClinVar variation 214067 (VCV000214067.15), dbSNP rs199977261, ClinGen allele CA324719.
Genomic context (GRCh38, chr7:141,641,239, plus strand): 5'-TTGCAGAGAGAAACTCCCAGAGTGGAATTGTACATGCATAACAAAATTTTTCTCTCTCCA[C>T]ATTAAAAGGAGTGGCCTCAGACTCATCAAGCCTCTATCTCATACACGGGACCTACAGAGA-3'